The following is an entry in ClinVar:

NM_014363.6(SACS):c.554_555del (p.Leu185fs)

Gene: SACS (sacsin molecular chaperone; minus strand). Cytogenetic location: 13q12.12.
Variant type: Deletion.
Coding change: c.554_555del on transcript NM_014363.6 (MANE Select); coding-DNA positions 554 to 555, 2 bases deleted (TG; older notation c.554_555delTG).
Protein change: p.Leu185fs; shifts the reading frame from leucine 185.
Molecular consequence: frameshift variant.
Genome position (GRCh38, 1-based): chr13:23,358,384-23,358,385, CA deleted on the plus strand (TG on the coding strand, the reverse complement: SACS is on the minus strand). VCF-style (leftmost placement, unchanged base first): chr13-23358383-TCA-T. GRCh37 (hg19) VCF-style: chr13-23932522-TCA-T.
Other names: c.113_114del, p.Leu38fs (NM_001278055.2); short protein forms L185fs, L38fs.
Identifiers: ClinVar variation 1726388 (VCV001726388.2), dbSNP rs2542415445, ClinGen allele CA2580086881.

ClinVar aggregate classification (germline): Likely pathogenic (1 of 4 stars; one submission).

Conditions:
Charlevoix-Saguenay spastic ataxia (SACS). Also called: SPASTIC ATAXIA 6, AUTOSOMAL RECESSIVE; AUTOSOMAL RECESSIVE SPASTIC ATAXIA OF CHARLEVOIX-SAGUENAY; Spastic ataxia of Charlevoix-Saguenay. Identifiers: Orphanet 98, MedGen C1849140, MONDO:0010041, OMIM 270550.

Submission:

Myriad Genetics, Inc.
Classification: Likely pathogenic for Charlevoix-Saguenay spastic ataxia. Last evaluated: 2022-02-02. Review status: criteria provided, single submitter. Criteria: Myriad Women's Health Autosomal Recessive and X-Linked Classification Criteria (2021). Collection method: clinical testing. Allele origin: unknown.
Comment: NM_014363.4(SACS):c.554_555delTG(L185Qfs*10) is expected to be pathogenic in the context of autosomal recessive spastic ataxia of Charlevoix-Saguenay. This variant is predicted to lead to an abnormal or absent protein product due to the creation of a premature termination codon in SACS, a gene where loss-of-function variants are known to be pathogenic. Please note: this variant was assessed in the context of healthy population screening.